The following is an entry in ClinVar:

NM_013447.4(ADGRE2):c.354A>G (p.Gln118=)

Gene: ADGRE2 (adhesion G protein-coupled receptor E2; minus strand). Cytogenetic location: 19p13.12.
Variant type: single nucleotide variant.
Coding change: c.354A>G on transcript NM_013447.4 (MANE Select); coding-DNA position 354, A replaced by G.
Protein change: p.Gln118=; no amino-acid change (glutamine 118 retained).
Molecular consequence: synonymous variant.
Genome position (GRCh38, 1-based): chr19:14,772,343, T>C on the plus strand (A>G on the coding strand, the complement: ADGRE2 is on the minus strand). VCF-style: chr19-14772343-T-C. GRCh37 (hg19) VCF-style: chr19-14883155-T-C.
Other names: c.354A>G, p.Gln118= (NM_001271052.1, NM_152916.2, NM_152917.2).
Identifiers: ClinVar variation 4769184 (VCV004769184.1).
Genomic context (GRCh38, chr19:14,772,343, plus strand): 5'-GCTCTGGTGACCCCAAACCTCATGGACAGTGGTGATGGAGGATGTGGGGTGGTTCTTACC[T>C]TGACACGTGTTCTCGCTCTCATTCTTGAATGTTTTTGCCCCAGAAACAGGCTCATATCCT-3'
Protein context (NP_038475.2, residues 108-128): TFKNESENTC[Gln118=]DVDECQQNPR

ClinVar aggregate classification (germline): Uncertain significance (1 of 4 stars; one submission).

Submission:

Labcorp Genetics (formerly Invitae), Labcorp
Classification: Uncertain significance. Last evaluated: 2025-10-22. Review status: criteria provided, single submitter. Criteria: Invitae Variant Classification Sherloc (09022015). Collection method: clinical testing. Allele origin: germline.
Comment: This sequence change affects codon 118 of the ADGRE2 mRNA. It is a 'silent' change, meaning that it does not change the encoded amino acid sequence of the ADGRE2 protein. It affects a nucleotide within the consensus splice site. This variant is not present in population databases (gnomAD no frequency). This variant has not been reported in the literature in individuals affected with ADGRE2-related conditions. Algorithms developed to predict the effect of sequence changes on RNA splicing suggest that this variant is not likely to affect RNA splicing. In summary, the available evidence is currently insufficient to determine the role of this variant in disease. Therefore, it has been classified as a Variant of Uncertain Significance.